The following is an entry in ClinVar:

NM_001164508.2(NEB):c.21208-21_21209dup

Gene: NEB (nebulin; minus strand). Cytogenetic location: 2q23.3.
Variant type: Duplication.
Coding change: c.21208-21_21209dup on transcript NM_001164508.2 (MANE Select); 21 bases into the intron before coding-DNA position 21208 through coding-DNA position 21209, 23 bases duplicated (ACCATGTTCTGTTTTTTCTAGTA).
Molecular consequence: splice acceptor variant.
Genome position (GRCh38, 1-based): chr2:151,535,794-151,535,816, TACTAGAAAAAACAGAACATGGT duplicated on the plus strand (ACCATGTTCTGTTTTTTCTAGTA on the coding strand, the reverse complement: NEB is on the minus strand); duplicating any 23 consecutive bases within chr2:151,535,794-151,535,820 gives the same sequence; the c. name uses the placement nearest the transcript's 3' end. VCF-style (leftmost placement, unchanged base first): chr2-151535793-A-ATACTAGAAAAAACAGAACATGGT. GRCh37 (hg19) VCF-style: chr2-152392307-A-ATACTAGAAAAAACAGAACATGGT.
Other names: c.16105-21_16106dup (NM_004543.5); c.21208-21_21209dup (NM_001164507.2, NM_001271208.2).
Identifiers: ClinVar variation 4058822 (VCV004058822.2).

ClinVar aggregate classification (germline): Likely pathogenic (1 of 4 stars; one submission).

Conditions:
Nemaline myopathy 2 (NEM2). Also called: Nemaline myopathy 2, autosomal recessive. Identifiers: MedGen C1850569, MONDO:0009725, OMIM 256030.

Submission:

Natera, Inc.
Classification: Likely pathogenic for Nemaline myopathy type 2. Last evaluated: 2025-01-23. Review status: criteria provided, single submitter. Criteria: Natera Variant Classification Schema (03/2026). Collection method: clinical testing. Allele origin: germline.
Comment: The c.21208-21_21209dup variant in NEB is a frameshift variant predicted to shift the reading frame and introduce a stop codon. This variant is expected to result in nonsense mediated decay, truncation, or a dysfunctional protein product. This variant is rare in the general population with a frequency below the threshold expected for the associated phenotype(s). Given the available evidence, this variant is classified as Likely Pathogenic.